The following is an entry in ClinVar:

NM_020937.4(FANCM):c.3008G>T (p.Gly1003Val)

Gene: FANCM (FA complementation group M; plus strand). Cytogenetic location: 14q21.2.
Variant type: single nucleotide variant.
Coding change: c.3008G>T on transcript NM_020937.4 (MANE Select); coding-DNA position 3008, G replaced by T.
Protein change: p.Gly1003Val; replaces glycine 1003 with valine.
Molecular consequence: missense variant.
Genome position (GRCh38, 1-based): chr14:45,175,762, G>T. VCF-style: chr14-45175762-G-T. GRCh37 (hg19) VCF-style: chr14-45644965-G-T.
Other names: c.2930G>T, p.Gly977Val (NM_001308133.2); short protein forms G977V, G1003V.
Identifiers: ClinVar variation 3848674 (VCV003848674.1).

ClinVar aggregate classification (germline): Uncertain significance (1 of 4 stars; one submission).

Conditions:
Inborn genetic diseases. Identifiers: MedGen C0950123, MeSH D030342.

gnomAD v4.1: 2 of 1,613,518 alleles (0.00012%); highest among the groups gnomAD compares: Admixed American, 0.0017%; no homozygotes.

Submission:

Ambry Genetics
Classification: Uncertain significance for Inborn genetic diseases. Last evaluated: 2025-01-31. Review status: criteria provided, single submitter. Criteria: Ambry Variant Classification Scheme 2023. Collection method: clinical testing. Allele origin: germline.
Comment: The p.G1003V variant (also known as c.3008G>T), located in coding exon 14 of the FANCM gene, results from a G to T substitution at nucleotide position 3008. The glycine at codon 1003 is replaced by valine, an amino acid with dissimilar properties. This amino acid position is conserved. In addition, this alteration is predicted to be tolerated by in silico analysis. Based on the available evidence, the clinical significance of this variant remains unclear.